The following is an entry in ClinVar:

NM_000214.3(JAG1):c.1511A>G (p.Asn504Ser)

Gene: JAG1 (jagged canonical Notch ligand 1; minus strand). Cytogenetic location: 20p12.2.
Variant type: single nucleotide variant.
Coding change: c.1511A>G on transcript NM_000214.3 (MANE Select); coding-DNA position 1511, A replaced by G.
Protein change: p.Asn504Ser; replaces asparagine 504 with serine.
Molecular consequence: missense variant.
Genome position (GRCh38, 1-based): chr20:10,648,607, T>C on the plus strand (A>G on the coding strand, the complement: JAG1 is on the minus strand). VCF-style: chr20-10648607-T-C. GRCh37 (hg19) VCF-style: chr20-10629255-T-C.
Other names: c.1511A>G, p.Asn504Ser (LRG_1191t1); short protein forms N504S.
Identifiers: ClinVar variation 143062 (VCV000143062.19), dbSNP rs527236046, ClinGen allele CA270004.
Genomic context (GRCh38, chr20:10,648,607, plus strand): 5'-ACCTGACAGAGGTTTCCAGAGAAACCAGTGGGACACAGACACTGGAATCTGTTGATTTCA[T>C]TCTGACAGTGACCCCCATTCAAACAGGGGTTGCTGGCACATTCATCGATGTCTCTCTCAC-3'
Protein context (NP_000205.1, residues 494-514): NPCLNGGHCQ[Asn504Ser]EINRFQCLCP

ClinVar aggregate classification (germline): Conflicting classifications of pathogenicity. Review status: criteria provided, conflicting classifications (1 of 4 stars). 7 submissions from 7 submitters: Uncertain significance (5); Benign (1). 1 of the submissions does not count toward it. Last evaluated 2026-02-25.

Conditions:
JAG1-related disorder. Also called: JAG1-related condition; JAG1-related disorders.
Charcot-Marie-Tooth disease, axonal, Type 2HH. Also called: CHARCOT-MARIE-TOOTH NEUROPATHY, TYPE 2HH. Identifiers: MedGen C5562003, MONDO:0030458, OMIM 619574.
Alagille syndrome due to a JAG1 point mutation. Also called: Alagille Syndrome 1; JAG1-Related Alagille Syndrome; HEPATIC DUCTULAR HYPOPLASIA, SYNDROMATIC. Identifiers: Orphanet 261619, Orphanet 52, MedGen C1956125, MONDO:0016862, OMIM 118450.
Tetralogy of Fallot (TOF). Identifiers: Orphanet 3303, MedGen C0039685, MONDO:0008542, OMIM 187500, HP:0001636.
Deafness, congenital heart defects, and posterior embryotoxon (DCHE). Identifiers: MedGen C1866053, MONDO:0060713, OMIM 617992.
Isolated Nonsyndromic Congenital Heart Disease.

Allele frequency attached by ClinVar (database versions not stated): gnomAD 0.00001; TOPMed 0.00001; gnomAD exomes 0.00003 and 0.00004; ExAC 0.00004.
gnomAD v4.1: 39 of 1,614,168 alleles (0.0024%); highest among the groups gnomAD compares: East Asian, 0.082%; no homozygotes.

Submissions (7):

PreventionGenetics, part of Exact Sciences
Classification: Uncertain significance for JAG1-related condition. Last evaluated: 2026-02-25. Review status: criteria provided, single submitter. Criteria: ACMG Guidelines, 2015. Collection method: clinical testing. Allele origin: germline.
Comment: The JAG1 c.1511A>G variant is predicted to result in the amino acid substitution p.Asn504Ser. This variant has been reported in two individuals with Alagille syndrome (Table 1, Liu et al. 2018. PubMed ID: 30074189), and in an individual with phenotypes of tetrology of fallot and patent foramen ovale (Table 2, Qian et al. 2017. PubMed ID: 28372585). This variant has also been reported in individuals with congenital cataracts, however it was reported in an unaffected mother as well (Table 2, Fan et al. 2020. PubMed ID: 32883240; Table 1, Liu et al. 2023. PubMed ID: 37337769). This variant is located in the EGF repeat domain (Qian et al. 2017. PubMed ID: 28372585). This variant is reported in 0.049% of alleles in individuals of East Asian descent in gnomAD. At this time, the clinical significance of this variant is uncertain due to the absence of conclusive functional and genetic evidence.

Labcorp Genetics (formerly Invitae), Labcorp
Classification: Benign for Alagille syndrome due to a JAG1 point mutation. Last evaluated: 2025-08-21. Review status: criteria provided, single submitter. Criteria: Invitae Variant Classification Sherloc (09022015). Collection method: clinical testing. Allele origin: germline.

Fulgent Genetics
Classification: Uncertain significance for Alagille syndrome due to a JAG1 point mutation; Tetralogy of Fallot; Deafness, congenital heart defects, and posterior embryotoxon; Charcot-Marie-Tooth disease, axonal, Type 2HH. Last evaluated: 2021-12-21. Review status: criteria provided, single submitter. Criteria: ACMG Guidelines, 2015. Collection method: clinical testing. Allele origin: unknown.

Illumina Laboratory Services, Illumina
Classification: Uncertain significance for Isolated Nonsyndromic Congenital Heart Disease. Last evaluated: 2017-04-27. Review status: criteria provided, single submitter. Criteria: ICSL Variant Classification Criteria 13 December 2019. Collection method: clinical testing. Allele origin: germline.

Eurofins Ntd Llc (ga)
Classification: Uncertain significance. Last evaluated: 2017-03-29. Review status: criteria provided, single submitter. Criteria: EGL Classification Definitions 2015. Collection method: clinical testing. Allele origin: germline. Observed: 1 variant allele, 1 heterozygote.

Soonchunhyang University Bucheon Hospital, Soonchunhyang University Medical Center
Classification: Uncertain significance for Alagille syndrome due to a JAG1 point mutation. Last evaluated: 2016-03-18. Review status: criteria provided, single submitter. Criteria: ACMG Guidelines, 2015. Collection method: reference population. Allele origin: germline. Observed: 1 variant allele.

Department of Ophthalmology and Visual Sciences Kyoto University
Classification: Likely pathogenic for Alagille syndrome 1. Review status: no assertion criteria provided. Collection method: not provided. Allele origin: unknown. Not counted in ClinVar's aggregate classification.
ClinVar note: Converted during submission from probable-pathogenic to Likely pathogenic.

Literature cited by the submitters: PubMed 16575836 (cited by Soonchunhyang University Bucheon Hospital, Soonchunhyang University Medical Center).